The following is an entry in ClinVar:

NM_024577.4(SH3TC2):c.*16378C>A

Gene: SH3TC2 (SH3 domain and tetratricopeptide repeats 2; minus strand). Cytogenetic location: 5q32.
Variant type: single nucleotide variant.
Coding change: c.*16378C>A on transcript NM_024577.4 (MANE Select); 16378 bases downstream of the stop codon, C replaced by A.
Molecular consequence: 3 prime UTR variant.
Genome position (GRCh38, 1-based): chr5:148,988,333, G>T on the plus strand (C>A on the coding strand, the complement: SH3TC2 is on the minus strand). VCF-style: chr5-148988333-G-T. GRCh37 (hg19) VCF-style: chr5-148367896-G-T.
Identifiers: ClinVar variation 351638 (VCV000351638.5), dbSNP rs144423228, ClinGen allele CA10620591.

ClinVar aggregate classification (germline): Likely benign. Review status: criteria provided, single submitter (1 of 4 stars). 2 submissions from 1 submitter: Likely benign (2). Last evaluated 2018-01-12.

Conditions:
Charcot-Marie-Tooth disease type 4C (CMT4C). Also called: CHARCOT-MARIE-TOOTH DISEASE, DEMYELINATING, AUTOSOMAL RECESSIVE, TYPE 4C; CMT 4C; Charcot-Marie-Tooth Neuropathy Type 4C (CMT4C); CHARCOT-MARIE-TOOTH DISEASE, DEMYELINATING, TYPE 4C; SH3TC2-Related Hereditary Motor and Sensory Neuropathy. Identifiers: Orphanet 99949, MedGen C1866636, MONDO:0011113, OMIM 601596.
Susceptibility to mononeuropathy of the median nerve, mild. Also called: CARPAL TUNNEL SYNDROME, SUSCEPTIBILITY TO. Identifiers: MedGen C3150596, MONDO:0013237, OMIM 613353.

Allele frequency attached by ClinVar (database versions not stated): gnomAD 0.00077 and 0.00107; TOPMed 0.00131; 1000 Genomes Project 0.00319; 1000 Genomes Project 30x 0.00328.
gnomAD v4.1: 161 of 152,266 alleles (0.11%); highest among the groups gnomAD compares: East Asian, 2.7%; no homozygotes.

Submissions (2):

Illumina Laboratory Services, Illumina
Classification: Likely benign for Susceptibility to mononeuropathy of the median nerve, mild. Last evaluated: 2018-01-12. Review status: criteria provided, single submitter. Criteria: ICSL Variant Classification Criteria 13 December 2019. Collection method: clinical testing. Allele origin: germline.
Comment: This variant was observed in the ICSL laboratory as part of a predisposition screen in an ostensibly healthy population. It had not been previously curated by ICSL or reported in the Human Gene Mutation Database (HGMD: prior to June 1st, 2018), and was therefore a candidate for classification through an automated scoring system. Utilizing variant allele frequency, disease prevalence and penetrance estimates, and inheritance mode, an automated score was calculated to assess if this variant is too frequent to cause the disease. Based on the score and internal cut-off values, a variant classified as likely benign is not then subjected to further curation. The score for this variant resulted in a classification of likely benign for this disease.

Illumina Laboratory Services, Illumina
Classification: Likely benign for Charcot-Marie-Tooth disease type 4C. Last evaluated: 2018-01-12. Review status: criteria provided, single submitter. Criteria: ICSL Variant Classification Criteria 13 December 2019. Collection method: clinical testing. Allele origin: germline.
Comment: the same text as in the submission from Illumina Laboratory Services, Illumina above.